The following is an entry in ClinVar:

ClinVar aggregate classification (germline): Uncertain significance. Review status: criteria provided, multiple submitters, no conflicts (2 of 4 stars). 3 submissions from 3 submitters: Uncertain significance (3). Last evaluated 2023-02-13.

Conditions:
Hereditary cancer-predisposing syndrome. Also called: Neoplastic Syndromes, Hereditary; Tumor predisposition; Hereditary Cancer Syndrome; Hereditary neoplastic syndrome. Identifiers: Orphanet 140162, MedGen C0027672, MeSH D009386, MONDO:0015356.
Ataxia-telangiectasia syndrome (AT). Also called: LOUIS-BAR SYNDROME; Cerebello-oculocutaneous telangiectasia; Immunodeficiency with ataxia telangiectasia; Ataxia-telangiectasia, complementation group D; AT, COMPLEMENTATION GROUP C; ATAXIA-TELANGIECTASIA, COMPLEMENTATION GROUP A. Identifiers: Orphanet 100, MedGen C0004135, MONDO:0008840, OMIM 208900.

gnomAD v4.1: 1 of 1,613,380 alleles (0.000062%); highest among the groups gnomAD compares: South Asian, 0.0011%; no homozygotes.

Submissions (3):

Women's Health and Genetics/Laboratory Corporation of America, LabCorp
Classification: Uncertain significance. Last evaluated: 2023-02-13. Review status: criteria provided, single submitter. Criteria: LabCorp Variant Classification Summary - May 2015. Collection method: clinical testing. Allele origin: germline.
Comment: Variant summary: ATM c.4313T>C (p.Ile1438Thr) results in a non-conservative amino acid change in the encoded protein sequence. Three of five in-silico tools predict a damaging effect of the variant on protein function. The variant was absent in 250572 control chromosomes (gnomAD). The available data on variant occurrences in the general population are insufficient to allow any conclusion about variant significance. To our knowledge, no occurrence of c.4313T>C in individuals affected with Ataxia-Telangiectasia or breast/prostate cancers and no experimental evidence demonstrating its impact on protein function have been reported. Two clinical diagnostic laboratories have submitted clinical-significance assessments for this variant to ClinVar after 2014 and both classified the variant as uncertain significance. Based on the evidence outlined above, the variant was classified as uncertain significance.

Labcorp Genetics (formerly Invitae), Labcorp
Classification: Uncertain significance for Ataxia-telangiectasia syndrome. Last evaluated: 2022-04-07. Review status: criteria provided, single submitter. Criteria: Invitae Variant Classification Sherloc (09022015). Collection method: clinical testing. Allele origin: germline.
Comment: In summary, the available evidence is currently insufficient to determine the role of this variant in disease. Therefore, it has been classified as a Variant of Uncertain Significance. Advanced modeling of protein sequence and biophysical properties (such as structural, functional, and spatial information, amino acid conservation, physicochemical variation, residue mobility, and thermodynamic stability) performed at Invitae indicates that this missense variant is not expected to disrupt ATM protein function. This variant has not been reported in the literature in individuals affected with ATM-related conditions. This variant is not present in population databases (gnomAD no frequency). This sequence change replaces isoleucine, which is neutral and non-polar, with threonine, which is neutral and polar, at codon 1438 of the ATM protein (p.Ile1438Thr).

Ambry Genetics
Classification: Uncertain significance for Hereditary cancer-predisposing syndrome. Last evaluated: 2021-01-06. Review status: criteria provided, single submitter. Criteria: Ambry Variant Classification Scheme 2023. Collection method: clinical testing. Allele origin: germline.
Comment: The p.I1438T variant (also known as c.4313T>C), located in coding exon 28 of the ATM gene, results from a T to C substitution at nucleotide position 4313. The isoleucine at codon 1438 is replaced by threonine, an amino acid with similar properties. This amino acid position is well conserved in available vertebrate species. In addition, the in silico prediction for this alteration is inconclusive. Since supporting evidence is limited at this time, the clinical significance of this alteration remains unclear.

NM_000051.4(ATM):c.4313T>C (p.Ile1438Thr)

Gene: ATM (ATM serine/threonine kinase; plus strand). Cytogenetic location: 11q22.3.
Variant type: single nucleotide variant.
Coding change: c.4313T>C on transcript NM_000051.4 (MANE Select); coding-DNA position 4313, T replaced by C.
Protein change: p.Ile1438Thr; replaces isoleucine 1438 with threonine.
Molecular consequence: missense variant.
Genome position (GRCh38, 1-based): chr11:108,289,678, T>C. VCF-style: chr11-108289678-T-C. GRCh37 (hg19) VCF-style: chr11-108160405-T-C.
Other names: c.4313T>C, p.Ile1438Thr (NM_001351834.2); short protein forms I1438T.
Identifiers: ClinVar variation 1739650 (VCV001739650.8), dbSNP rs1591663009, ClinGen allele CA382531745.